The following is an entry in ClinVar:

ClinVar aggregate classification (germline): Benign. Review status: criteria provided, multiple submitters, no conflicts (2 of 4 stars). 2 submissions from 2 submitters: Benign (2). Last evaluated 2018-06-18.

Allele frequency attached by ClinVar (database versions not stated): 1000 Genomes Project 30x 0.67005; 1000 Genomes Project 0.67232; TOPMed 0.73590; gnomAD 0.75185 and 0.75258.
gnomAD v4.1: 114,452 of 152,200 alleles (75%); highest among the groups gnomAD compares: Non-Finnish European, 85%; 43,939 homozygotes.

Submissions (2):

GeneDx
Classification: Benign. Last evaluated: 2018-06-18. Review status: criteria provided, single submitter. Criteria: GeneDx Variant Classification (06012015). Collection method: clinical testing. Allele origin: germline. Affected: yes.
Comment: This variant is considered likely benign or benign based on one or more of the following criteria: it is a conservative change, it occurs at a poorly conserved position in the protein, it is predicted to be benign by multiple in silico algorithms, and/or has population frequency not consistent with disease.

Breakthrough Genomics
Classification: Benign. Review status: criteria provided, single submitter. Criteria: ACMG Guidelines, 2015. Collection method: not provided. Allele origin: germline. Inheritance: Autosomal dominant inheritance. Affected: yes.

NM_001844.5(COL2A1):c.969+216A>T

Gene: COL2A1 (collagen type II alpha 1 chain; minus strand). Cytogenetic location: 12q13.11.
Variant type: single nucleotide variant.
Coding change: c.969+216A>T on transcript NM_001844.5 (MANE Select); 216 bases into the intron after coding-DNA position 969, A replaced by T.
Molecular consequence: intron variant.
Genome position (GRCh38, 1-based): chr12:47,993,242, T>A on the plus strand (A>T on the coding strand, the complement: COL2A1 is on the minus strand). VCF-style: chr12-47993242-T-A. GRCh37 (hg19) VCF-style: chr12-48387025-T-A.
Other names: c.762+216A>T (NM_033150.3).
Identifiers: ClinVar variation 677855 (VCV000677855.2), dbSNP rs1793913, ClinGen allele CA236490402.
Genomic context (GRCh38, chr12:47,993,242, plus strand): 5'-ACACCTTGCTCCTTGCAGTAGATGAGCTTGACAAAATGTTGAGACTCAACAGAATTTTTT[T>A]AAATGGGAGCATCTTTAGTGTGATAAAATGGGTATCTTAAGGAAATGTTGGTGAAATCTT-3'